The following is an entry in ClinVar:

ClinVar aggregate classification (germline): Uncertain significance (1 of 4 stars; one submission).

Allele frequency attached by ClinVar (database versions not stated): gnomAD exomes below 0.00001; TOPMed below 0.00001; ExAC 0.00001.
gnomAD v4.1: 4 of 1,611,800 alleles (0.00025%); highest among the groups gnomAD compares: South Asian, 0.0011%; no homozygotes.

Submission:

Labcorp Genetics (formerly Invitae), Labcorp
Classification: Uncertain significance. Last evaluated: 2021-12-03. Review status: criteria provided, single submitter. Criteria: Invitae Variant Classification Sherloc (09022015). Collection method: clinical testing. Allele origin: germline.
Comment: This sequence change replaces arginine, which is basic and polar, with glutamine, which is neutral and polar, at codon 303 of the TBCD protein (p.Arg303Gln). This variant is present in population databases (rs756891794, gnomAD 0.0009%). This variant has not been reported in the literature in individuals affected with TBCD-related conditions. Advanced modeling of protein sequence and biophysical properties (such as structural, functional, and spatial information, amino acid conservation, physicochemical variation, residue mobility, and thermodynamic stability) performed at Invitae indicates that this missense variant is expected to disrupt TBCD protein function. In summary, the available evidence is currently insufficient to determine the role of this variant in disease. Therefore, it has been classified as a Variant of Uncertain Significance.

NM_005993.5(TBCD):c.908G>A (p.Arg303Gln)

Gene: TBCD (tubulin folding cofactor D). Cytogenetic location: 17q25.3.
Variant type: single nucleotide variant.
Coding change: c.908G>A on transcript NM_005993.5 (MANE Select); coding-DNA position 908, G replaced by A.
Protein change: p.Arg303Gln; replaces arginine 303 with glutamine.
Molecular consequence: missense variant.
Genome position (GRCh38, 1-based): chr17:82,800,954, G>A. VCF-style: chr17-82800954-G-A. GRCh37 (hg19) VCF-style: chr17-80758830-G-A.
Other names: short protein forms R303Q.
Identifiers: ClinVar variation 1463314 (VCV001463314.5), dbSNP rs756891794, ClinGen allele CA8861799.
Genomic context (GRCh38, chr17:82,800,954, plus strand): 5'-GCAGACTCCCTGAGAGCAACCAGACCCTGCTGCGGAAGCTGGGGGTGAAGCTTGTGCAGC[G>A]ACTGGGGCTGACATTCCTGAAGCCGAAGGTGGCAGCATGGAGGTAGGCACCATGAGGGCG-3'
Protein context (NP_005984.3, residues 293-313): LRKLGVKLVQ[Arg303Gln]LGLTFLKPKV